The following is an entry in ClinVar:

NM_032520.5(GNPTG):c.130C>G (p.Pro44Ala)

Gene: GNPTG (N-acetylglucosamine-1-phosphate transferase subunit gamma; plus strand). Cytogenetic location: 16p13.3.
Variant type: single nucleotide variant.
Coding change: c.130C>G on transcript NM_032520.5 (MANE Select); coding-DNA position 130, C replaced by G.
Protein change: p.Pro44Ala; replaces proline 44 with alanine.
Molecular consequence: missense variant.
Genome position (GRCh38, 1-based): chr16:1,352,258, C>G. VCF-style: chr16-1352258-C-G. GRCh37 (hg19) VCF-style: chr16-1402259-C-G.
Other names: short protein forms P44A.
Identifiers: ClinVar variation 964872 (VCV000964872.6), dbSNP rs771564346, ClinGen allele CA7807488.
Genomic context (GRCh38, chr16:1,352,258, plus strand): 5'-GGCCCGGGCCCGTTCCCCGCTGACCTTGCCGCTTCCCGTAGGGTGAACAACCCGTTCTTG[C>G]CTCAGGCCAGTCGCCTCCAGGCCAAGAGGGATCCTTCACCCGTGTCTGGTGAGTGAGGAG-3'
Protein context (NP_115909.1, residues 34-54): NAFGVNNPFL[Pro44Ala]QASRLQAKRD

ClinVar aggregate classification (germline): Uncertain significance. Review status: criteria provided, multiple submitters, no conflicts (2 of 4 stars). 3 submissions from 3 submitters: Uncertain significance (2). 1 of the submissions does not count toward it. Last evaluated 2023-12-28.

Conditions:
GNPTG-mucolipidosis. Also called: MUCOLIPIDOSIS III, COMPLEMENTATION GROUP C; MUCOLIPIDOSIS III, IRANIAN VARIANT FORM; MUCOLIPIDOSIS III, VARIANT FORM; ML III GAMMA; ML IIIC; Mucolipidosis type III gamma. Identifiers: Orphanet 423470, Orphanet 577, MedGen C1854896, MONDO:0009652, OMIM 252605.
Inborn genetic diseases. Identifiers: MedGen C0950123, MeSH D030342.

Allele frequency attached by ClinVar (database versions not stated): TOPMed 0.00006; gnomAD 0.00007 and 0.00008; ExAC 0.00011.
gnomAD v4.1: 42 of 1,548,510 alleles (0.0027%); highest among the groups gnomAD compares: African/African-American, 0.018%; no homozygotes.

Submissions (3):

Ambry Genetics
Classification: Uncertain significance for Inborn genetic diseases. Last evaluated: 2023-12-28. Review status: criteria provided, single submitter. Criteria: Ambry Variant Classification Scheme 2023. Collection method: clinical testing. Allele origin: germline.

Labcorp Genetics (formerly Invitae), Labcorp
Classification: Uncertain significance. Last evaluated: 2022-07-12. Review status: criteria provided, single submitter. Criteria: Invitae Variant Classification Sherloc (09022015). Collection method: clinical testing. Allele origin: germline.
Comment: This sequence change replaces proline, which is neutral and non-polar, with alanine, which is neutral and non-polar, at codon 44 of the GNPTG protein (p.Pro44Ala). This variant is present in population databases (rs771564346, gnomAD 0.02%). This variant has not been reported in the literature in individuals affected with GNPTG-related conditions. ClinVar contains an entry for this variant (Variation ID: 964872). Algorithms developed to predict the effect of missense changes on protein structure and function (SIFT, PolyPhen-2, Align-GVGD) all suggest that this variant is likely to be tolerated. In summary, the available evidence is currently insufficient to determine the role of this variant in disease. Therefore, it has been classified as a Variant of Uncertain Significance.

Natera, Inc.
Classification: Uncertain significance for Mucolipidosis III gamma. Last evaluated: 2020-02-04. Review status: no assertion criteria provided. Collection method: clinical testing. Allele origin: germline. Not counted in ClinVar's aggregate classification.